The following is an entry in ClinVar:

ClinVar aggregate classification (germline): Pathogenic (1 of 4 stars; one submission).

Conditions:
Kennedy disease (SMAX1). Also called: SPINAL AND BULBAR MUSCULAR ATROPHY, X-LINKED 1; KENNEDY SPINAL AND BULBAR MUSCULAR ATROPHY; Spinal and Bulbar Muscular Atrophy. Identifiers: Orphanet 481, MedGen C1839259, MONDO:0010735, OMIM 313200.
Androgen resistance syndrome (AIS). Also called: DHTR DEFICIENCY; DIHYDROTESTOSTERONE RECEPTOR DEFICIENCY; ANDROGEN RECEPTOR DEFICIENCY; TESTICULAR FEMINIZATION SYNDROME; Androgen insensitivity syndrome; Androgen insensitivity. Identifiers: Orphanet 754, Orphanet 99429, MedGen C0039585, MONDO:0019154, OMIM 300068. Disease mechanism: loss of function.

Submission:

Labcorp Genetics (formerly Invitae), Labcorp
Classification: Pathogenic for Kennedy disease; Androgen resistance syndrome. Last evaluated: 2022-12-22. Review status: criteria provided, single submitter. Criteria: Invitae Variant Classification Sherloc (09022015). Collection method: clinical testing. Allele origin: germline.
Comment: For these reasons, this variant has been classified as Pathogenic. This variant disrupts the p.Leu831 amino acid residue in AR. Other variant(s) that disrupt this residue have been observed in individuals with AR-related conditions (PMID: 11260228), which suggests that this may be a clinically significant amino acid residue. Experimental studies are conflicting or provide insufficient evidence to determine the effect of this variant on AR function (PMID: 29237170). Advanced modeling of protein sequence and biophysical properties (such as structural, functional, and spatial information, amino acid conservation, physicochemical variation, residue mobility, and thermodynamic stability) has been performed at Invitae for this missense variant, however the output from this modeling did not meet the statistical confidence thresholds required to predict the impact of this variant on AR protein function. This variant is also known as c.3015C>T (p.L830F). This missense change has been observed in individuals with androgen Insensitivity Syndrome (PMID: 21645389; Invitae). It has also been observed to segregate with disease in related individuals. This variant is not present in population databases (gnomAD no frequency). This sequence change replaces leucine, which is neutral and non-polar, with phenylalanine, which is neutral and non-polar, at codon 831 of the AR protein (p.Leu831Phe).

Literature cited by the submitters: PubMed 11260228; PubMed 29237170; PubMed 21645389.

NM_000044.6(AR):c.2491C>T (p.Leu831Phe)

Gene: AR (androgen receptor; plus strand). Cytogenetic location: Xq12.
Variant type: single nucleotide variant.
Coding change: c.2491C>T on transcript NM_000044.6 (MANE Select); coding-DNA position 2491, C replaced by T.
Protein change: p.Leu831Phe; replaces leucine 831 with phenylalanine.
Molecular consequence: missense variant.
Genome position (GRCh38, 1-based): chrX:67,722,868, C>T. VCF-style: chrX-67722868-C-T. GRCh37 (hg19) VCF-style: chrX-66942710-C-T.
Other names: c.895C>T, p.Leu299Phe (NM_001011645.3); c.2494C>T, p.Leu832Phe (NM_001424175.1); short protein forms L299F, L831F, L832F.
Identifiers: ClinVar variation 2925681 (VCV002925681.3), dbSNP rs1202166699, ClinGen allele CA413427697.